The following is an entry in ClinVar:

NM_005562.3(LAMC2):c.-6C>A

Genes: LAMC2 (laminin subunit gamma 2; plus strand), LOC126805948 (MED14-independent group 3 enhancer GRCh37_chr1:183154769-183155968; plus strand). Cytogenetic location: 1q25.3.
Variant type: single nucleotide variant.
Coding change: c.-6C>A on transcript NM_005562.3 (MANE Select); 6 bases upstream of the start codon, C replaced by A.
Molecular consequence: 5 prime UTR variant.
Genome position (GRCh38, 1-based): chr1:183,186,347, C>A. VCF-style: chr1-183186347-C-A. GRCh37 (hg19) VCF-style: chr1-183155482-C-A.
Other names: c.-6C>A (NM_018891.3).
Identifiers: ClinVar variation 293983 (VCV000293983.11), dbSNP rs684527, ClinGen allele CA1282159.

ClinVar aggregate classification (germline): Benign. Review status: criteria provided, multiple submitters, no conflicts (2 of 4 stars). 5 submissions from 4 submitters: Benign (5). Last evaluated 2021-07-08.

Conditions:
Junctional epidermolysis bullosa. Identifiers: Orphanet 305, MedGen C0079301, MONDO:0017612.
Junctional epidermolysis bullosa, non-Herlitz type. Also called: EPIDERMOLYSIS BULLOSA JUNCTIONALIS, DISENTIS TYPE; EPIDERMOLYSIS BULLOSA JUNCTIONALIS, NON-HERLITZ TYPE; EPIDERMOLYSIS BULLOSA JUNCTIONALIS, PROGRESSIVE; EPIDERMOLYSIS BULLOSA JUNCTIONALIS, SEVERE NONLETHAL; Adult junctional epidermolysis bullosa; Epidermolysis bullosa, junctional, non-herlitz type, somatic mosaic revertant. Identifiers: Orphanet 251393, Orphanet 79402, Orphanet 79405, Orphanet 89840, MedGen C0268374, MONDO:0009180, OMIM 226650.
Junctional epidermolysis bullosa gravis of Herlitz. Also called: EPIDERMOLYSIS BULLOSA JUNCTIONALIS, HERLITZ TYPE; EPIDERMOLYSIS BULLOSA, JUNCTIONAL, HERLITZ-PEARSON TYPE; JEB-HERLITZ TYPE; Epidermolysis Bullosa Letalis; Herlitz-type junctional epidermolysis bullosa; EPIDERMOLYSIS BULLOSA, JUNCTIONAL 1B, SEVERE. Identifiers: Orphanet 79404, MedGen C0079683, MONDO:0009182, OMIM 226700.

Allele frequency attached by ClinVar (database versions not stated): ESP Exome Variant Server 0.22182; TOPMed 0.23843; gnomAD 0.24932 and 0.25550; 1000 Genomes Project 30x 0.26562; 1000 Genomes Project 0.27476; gnomAD exomes 0.31223; ExAC 0.37990.
gnomAD v4.1: 468,497 of 1,592,980 alleles (29%); highest among the groups gnomAD compares: East Asian, 39%; 71,712 homozygotes.

Submissions (5):

Genome-Nilou Lab
Classification: Benign for Junctional epidermolysis bullosa gravis of Herlitz. Last evaluated: 2021-07-08. Review status: criteria provided, single submitter. Criteria: ACMG Guidelines, 2015. Collection method: clinical testing. Allele origin: germline. Affected: no.

Genome-Nilou Lab
Classification: Benign for Junctional epidermolysis bullosa, non-Herlitz type. Last evaluated: 2021-07-08. Review status: criteria provided, single submitter. Criteria: ACMG Guidelines, 2015. Collection method: clinical testing. Allele origin: germline. Affected: no.

Illumina Laboratory Services, Illumina
Classification: Benign for Junctional epidermolysis bullosa. Last evaluated: 2018-01-13. Review status: criteria provided, single submitter. Criteria: ICSL Variant Classification Criteria 13 December 2019. Collection method: clinical testing. Allele origin: germline.
Comment: This variant was observed in the ICSL laboratory as part of a predisposition screen in an ostensibly healthy population. It had not been previously curated by ICSL or reported in the Human Gene Mutation Database (HGMD: prior to June 1st, 2018), and was therefore a candidate for classification through an automated scoring system. Utilizing variant allele frequency, disease prevalence and penetrance estimates, and inheritance mode, an automated score was calculated to assess if this variant is too frequent to cause the disease. Based on the score and internal cut-off values, a variant classified as benign is not then subjected to further curation. The score for this variant resulted in a classification of benign for this disease.

GeneDx
Classification: Benign. Last evaluated: 2015-03-03. Review status: criteria provided, single submitter. Criteria: GeneDx Variant Classification Process June 2021. Collection method: clinical testing. Allele origin: germline. Affected: yes.

Breakthrough Genomics
Classification: Benign. Review status: criteria provided, single submitter. Criteria: ACMG Guidelines, 2015. Collection method: not provided. Allele origin: germline. Inheritance: Autosomal recessive inheritance. Affected: yes.